The following is an entry in ClinVar:

ClinVar aggregate classification (germline): Uncertain significance (1 of 4 stars; one submission).

Conditions:
Familial cancer of breast. Also called: Hereditary breast cancer; BREAST CANCER, FAMILIAL; hereditary breast carcinoma. Identifiers: Orphanet 227535, MedGen C0346153, MONDO:0016419, OMIM 114480. Disease mechanism: loss of function.

Submission:

Labcorp Genetics (formerly Invitae), Labcorp
Classification: Uncertain significance for Familial cancer of breast. Last evaluated: 2020-10-28. Review status: criteria provided, single submitter. Criteria: Invitae Variant Classification Sherloc (09022015). Collection method: clinical testing. Allele origin: germline.
Comment: In summary, the available evidence is currently insufficient to determine the role of this variant in disease. Therefore, it has been classified as a Variant of Uncertain Significance. Algorithms developed to predict the effect of missense changes on protein structure and function (SIFT, PolyPhen-2, Align-GVGD) all suggest that this variant is likely to be disruptive, but these predictions have not been confirmed by published functional studies and their clinical significance is uncertain. This variant has not been reported in the literature in individuals with PALB2-related conditions. This variant is not present in population databases (ExAC no frequency). This sequence change replaces glutamic acid with aspartic acid at codon 943 of the PALB2 protein (p.Glu943Asp). The glutamic acid residue is highly conserved and there is a small physicochemical difference between glutamic acid and aspartic acid.

NM_024675.4(PALB2):c.2829G>C (p.Glu943Asp)

Gene: PALB2 (partner and localizer of BRCA2; minus strand). Cytogenetic location: 16p12.2.
Variant type: single nucleotide variant.
Coding change: c.2829G>C on transcript NM_024675.4 (MANE Select); coding-DNA position 2829, G replaced by C.
Protein change: p.Glu943Asp; replaces glutamic acid 943 with aspartic acid.
Molecular consequence: missense variant.
Genome position (GRCh38, 1-based): chr16:23,624,014, C>G on the plus strand (G>C on the coding strand, the complement: PALB2 is on the minus strand). VCF-style: chr16-23624014-C-G. GRCh37 (hg19) VCF-style: chr16-23635335-C-G.
Other names: short protein forms E943D.
Identifiers: ClinVar variation 1021178 (VCV001021178.9), dbSNP rs1555459706, ClinGen allele CA395144795.